The following is an entry in ClinVar:

ClinVar aggregate classification (germline): Uncertain significance (1 of 4 stars; one submission).

Conditions:
Isolated microphthalmia 5. Also called: Posterior Microphthalmia with Retinitis Pigmentosa, Foveoschisis, and Optic Disc Drusen. Identifiers: Orphanet 251279, MedGen C1970236, MONDO:0012605, OMIM 611040.

gnomAD v4.1: 1 of 1,613,016 alleles (0.000062%); highest among the groups gnomAD compares: Non-Finnish European, 0.000085%; no homozygotes.

Submission:

Labcorp Genetics (formerly Invitae), Labcorp
Classification: Uncertain significance for Isolated microphthalmia 5. Last evaluated: 2022-04-27. Review status: criteria provided, single submitter. Criteria: Invitae Variant Classification Sherloc (09022015). Collection method: clinical testing. Allele origin: germline.
Comment: In summary, the available evidence is currently insufficient to determine the role of this variant in disease. Therefore, it has been classified as a Variant of Uncertain Significance. Algorithms developed to predict the effect of missense changes on protein structure and function are either unavailable or do not agree on the potential impact of this missense change (SIFT: "Deleterious"; PolyPhen-2: "Probably Damaging"; Align-GVGD: "Class C0"). This variant has not been reported in the literature in individuals affected with MFRP-related conditions. This variant is not present in population databases (gnomAD no frequency). This sequence change replaces alanine, which is neutral and non-polar, with aspartic acid, which is acidic and polar, at codon 409 of the MFRP protein (p.Ala409Asp).

NM_031433.4(MFRP):c.1226C>A (p.Ala409Asp)

Genes: C1QTNF5 (C1q and TNF related 5; minus strand), MFRP (membrane frizzled-related protein; minus strand). Cytogenetic location: 11q23.3.
Variant type: single nucleotide variant.
Coding change: c.1226C>A on transcript NM_031433.4 (MANE Select); coding-DNA position 1226, C replaced by A.
Protein change: p.Ala409Asp; replaces alanine 409 with aspartic acid.
Molecular consequence: missense variant. On other transcripts: 5 prime UTR variant (1).
Genome position (GRCh38, 1-based): chr11:119,342,902, G>T on the plus strand (C>A on the coding strand, the complement: MFRP is on the minus strand). VCF-style: chr11-119342902-G-T. GRCh37 (hg19) VCF-style: chr11-119213612-G-T.
Other names: c.-1411C>A (NM_015645.5); short protein forms A409D.
Identifiers: ClinVar variation 2109406 (VCV002109406.4), dbSNP rs950121355, ClinGen allele CA382974282.